The following is an entry in ClinVar:

NM_004312.3(ARR3):c.843del (p.Lys281fs)

Gene: ARR3 (arrestin 3; plus strand). Cytogenetic location: Xq13.1.
Variant type: Deletion.
Coding change: c.843del on transcript NM_004312.3 (MANE Select); coding-DNA position 843, one base deleted (A; older notation c.843delA).
Protein change: p.Lys281fs; shifts the reading frame from lysine 281.
Molecular consequence: frameshift variant.
Genome position (GRCh38, 1-based): chrX:70,278,579, A deleted; the last of 3 consecutive A bases (chrX:70,278,577-70,278,579); deleting any one gives the same sequence. VCF-style (leftmost placement, unchanged base first): chrX-70278576-GA-G. GRCh37 (hg19) VCF-style: chrX-69498426-GA-G.
Other names: short protein forms K281fs.
Identifiers: ClinVar variation 4533229 (VCV004533229.1).

ClinVar aggregate classification (germline): Uncertain significance (1 of 4 stars; one submission).

Conditions:
Myopia 26, X-linked, female-limited. Identifiers: MedGen C4538795, MONDO:0049221, OMIM 301010.

Submission:

Juno Genomics, Hangzhou Juno Genomics, Inc
Classification: Uncertain significance for Myopia 26, X-linked, female-limited. Review status: criteria provided, single submitter. Criteria: ACMG Guidelines, 2015. Collection method: clinical testing. Allele origin: germline. Affected: yes.
Comment: Absent from controls (or at extremely low frequency if recessive) in Genome Aggregation Database, Exome Sequencing Project, 1000 Genomes Project, or Exome Aggregation Consortium.;Patient's phenotype or family history is highly specific for a disease with a single genetic etiology.